The following is an entry in ClinVar:

ClinVar aggregate classification (germline): Benign/Likely benign. Review status: criteria provided, multiple submitters, no conflicts (2 of 4 stars). 6 submissions from 6 submitters: Benign (2); Likely benign (3). 1 of the submissions does not count toward it. Last evaluated 2025-10-23.

Conditions:
PIEZO1-related disorder. Also called: PIEZO1-Related Disorders; PIEZO1-related condition.

Allele frequency attached by ClinVar (database versions not stated): gnomAD 0.00006; TOPMed 0.00006; 1000 Genomes Project 30x 0.00016; ESP Exome Variant Server 0.00022; gnomAD exomes 0.00030.
gnomAD v4.1: 444 of 1,550,390 alleles (0.029%); highest among the groups gnomAD compares: South Asian, 0.37%; 5 homozygotes.

Submissions (6):

Labcorp Genetics (formerly Invitae), Labcorp
Classification: Benign. Last evaluated: 2025-10-23. Review status: criteria provided, single submitter. Criteria: Invitae Variant Classification Sherloc (09022015). Collection method: clinical testing. Allele origin: germline.

CeGaT Center for Human Genetics Tuebingen
Classification: Likely benign. Last evaluated: 2025-09-01. Review status: criteria provided, single submitter. Criteria: CeGaT Center For Human Genetics Tuebingen Variant Classification Criteria Version 2. Collection method: clinical testing. Allele origin: germline. Affected: yes. Observed: 2 variant alleles.
Comment: PIEZO1: BP4, BP7

Mayo Clinic Laboratories, Mayo Clinic
Classification: Likely benign. Last evaluated: 2025-08-14. Review status: criteria provided, single submitter. Criteria: ACMG Guidelines, 2015. Collection method: clinical testing. Allele origin: germline. Observed: 1 variant allele.
Comment: BS2, BP4, BP7

ARUP Laboratories, Molecular Genetics and Genomics, ARUP Laboratories
Classification: Benign. Last evaluated: 2025-01-31. Review status: criteria provided, single submitter. Criteria: ARUP Molecular Germline Variant Investigation Process 2024. Collection method: clinical testing. Allele origin: germline.

Blueprint Genetics
Classification: Likely benign. Last evaluated: 2024-11-13. Review status: criteria provided, single submitter. Criteria: ACMG Guidelines, 2015. Collection method: clinical testing. Allele origin: germline.

PreventionGenetics, part of Exact Sciences
Classification: Likely benign for PIEZO1-related condition. Last evaluated: 2019-06-05. Review status: no assertion criteria provided. Collection method: clinical testing. Allele origin: germline. Not counted in ClinVar's aggregate classification.
Comment: This variant is classified as likely benign based on ACMG/AMP sequence variant interpretation guidelines (Richards et al. 2015 PMID: 25741868, with internal and published modifications).

NM_001142864.4(PIEZO1):c.5865C>T (p.Arg1955=)

Gene: PIEZO1 (piezo type mechanosensitive ion channel component 1 (Er blood group); minus strand). Cytogenetic location: 16q24.3.
Variant type: single nucleotide variant.
Coding change: c.5865C>T on transcript NM_001142864.4 (MANE Select); coding-DNA position 5865, C replaced by T.
Protein change: p.Arg1955=; no amino-acid change (arginine 1955 retained).
Molecular consequence: synonymous variant.
Genome position (GRCh38, 1-based): chr16:88,720,469, G>A on the plus strand (C>T on the coding strand, the complement: PIEZO1 is on the minus strand). VCF-style: chr16-88720469-G-A. GRCh37 (hg19) VCF-style: chr16-88786877-G-A.
Other names: p.Arg1955=.
Identifiers: ClinVar variation 734482 (VCV000734482.20), dbSNP rs367814129, ClinGen allele CA8231749.